The following is an entry in ClinVar:

ClinVar aggregate classification (germline): Pathogenic (1 of 4 stars; one submission).

Submission:

ISCA Site 6
Classification: Pathogenic. Last evaluated: 2011-08-12. Review status: criteria provided, single submitter. Criteria: Kaminsky et al. (Genet Med. 2011). Collection method: clinical testing. Allele origin: de novo. Affected: yes. Observed: 1 variant allele.
Comment: Copy number variation identified through the course of routine clinical cytogenomic testing in postnatal populations. Clinical assertions have been curated as described in Kaminsky et al. 2011.

GRCh38/hg38 5p15.33-14.3(chr5:22419-19280892)x1

Genes: LPCAT1 (lysophosphatidylcholine acyltransferase 1), LRRC14B (leucine rich repeat containing 14B; plus strand), LSINCT5 (long stress-induced non-coding transcript 5; plus strand), MARCHF11 (membrane associated ring-CH-type finger 11; minus strand), MARCHF11-AS1 (MARCHF11 antisense RNA 1; plus strand) and 521 more. Cytogenetic location: 5p15.33-14.3.
Variant type: copy number loss.
Change: copy number 1 (one copy instead of two) of chr5:22,419-19,280,892 (19.26 Mb, GRCh38 coordinates, 1-based), cytogenetic band 5p15.33-14.3.
Identifiers: ClinVar variation 59576 (VCV000059576.3).